The following is an entry in ClinVar:

NM_022124.6(CDH23):c.9500C>T (p.Thr3167Met)

Gene: CDH23 (cadherin related 23; plus strand). Cytogenetic location: 10q22.1.
Variant type: single nucleotide variant.
Coding change: c.9500C>T on transcript NM_022124.6 (MANE Select); coding-DNA position 9500, C replaced by T.
Protein change: p.Thr3167Met; replaces threonine 3167 with methionine.
Molecular consequence: missense variant.
Genome position (GRCh38, 1-based): chr10:71,812,599, C>T. VCF-style: chr10-71812599-C-T. GRCh37 (hg19) VCF-style: chr10-73572356-C-T.
Other names: c.2780C>T, p.Thr927Met (NM_001171933.1, NM_001171934.1); c.191C>T, p.Thr64Met (NM_001171935.1, NM_001171936.1); short protein forms T927M, T3167M, T64M.
Identifiers: ClinVar variation 2201008 (VCV002201008.4), dbSNP rs886044299, ClinGen allele CA377136903.

ClinVar aggregate classification (germline): Uncertain significance. Review status: criteria provided, multiple submitters, no conflicts (2 of 4 stars). 2 submissions from 2 submitters: Uncertain significance (2). Last evaluated 2024-12-02.

Allele frequency attached by ClinVar (database versions not stated): TOPMed 0.00001.
gnomAD v4.1: 6 of 1,613,958 alleles (0.00037%); highest among the groups gnomAD compares: Non-Finnish European, 0.00042%; no homozygotes.

Submissions (2):

Labcorp Genetics (formerly Invitae), Labcorp
Classification: Uncertain significance. Last evaluated: 2024-12-02. Review status: criteria provided, single submitter. Criteria: Invitae Variant Classification Sherloc (09022015). Collection method: clinical testing. Allele origin: germline.
Comment: This sequence change replaces threonine, which is neutral and polar, with methionine, which is neutral and non-polar, at codon 3167 of the CDH23 protein (p.Thr3167Met). This variant is present in population databases (no rsID available, gnomAD 0.01%). This variant has not been reported in the literature in individuals affected with CDH23-related conditions. ClinVar contains an entry for this variant (Variation ID: 2201008). Invitae Evidence Modeling of protein sequence and biophysical properties (such as structural, functional, and spatial information, amino acid conservation, physicochemical variation, residue mobility, and thermodynamic stability) has been performed for this missense variant. However, the output from this modeling did not meet the statistical confidence thresholds required to predict the impact of this variant on CDH23 protein function. In summary, the available evidence is currently insufficient to determine the role of this variant in disease. Therefore, it has been classified as a Variant of Uncertain Significance.

Blueprint Genetics
Classification: Uncertain significance. Last evaluated: 2019-10-04. Review status: criteria provided, single submitter. Criteria: ACMG Guidelines, 2015. Collection method: clinical testing. Allele origin: germline.